The following is an entry in ClinVar:

NM_001148.6(ANK2):c.9916G>A (p.Val3306Ile)

Gene: ANK2 (ankyrin 2; plus strand). Cytogenetic location: 4q26.
Variant type: single nucleotide variant.
Coding change: c.9916G>A on transcript NM_001148.6 (MANE Select); coding-DNA position 9916, G replaced by A.
Protein change: p.Val3306Ile; replaces valine 3306 with isoleucine.
Molecular consequence: missense variant. On other transcripts: intron variant (68).
Genome position (GRCh38, 1-based): chr4:113,358,534, G>A. VCF-style: chr4-113358534-G-A. GRCh37 (hg19) VCF-style: chr4-114279690-G-A.
Other names: c.9682G>A, p.Val3228Ile (NM_001386142.1); c.6316G>A, p.Val2106Ile (NM_001386166.1); c.10057G>A, p.Val3353Ile (NM_001386174.1); c.10033G>A, p.Val3345Ile (NM_001386175.1); c.4412-2289G>A (NM_001386186.2, NM_001386148.2); c.4214-2289G>A (NM_001354269.3); c.4292-2289G>A (NM_001386187.2); c.4253-2289G>A (NM_001386147.1); and 35 more; short protein forms V3306I, V2106I, V3228I, V3345I, V3353I.
Identifiers: ClinVar variation 191415 (VCV000191415.22), dbSNP rs200922244, ClinGen allele CA236576.

ClinVar aggregate classification (germline): Conflicting classifications of pathogenicity. Review status: criteria provided, conflicting classifications (1 of 4 stars). 5 submissions from 5 submitters: Uncertain significance (4); Likely benign (1). Last evaluated 2024-06-01.

Conditions:
Cardiovascular phenotype. Identifiers: MedGen CN230736.
Cardiac arrhythmia, ankyrin-B-related. Also called: ANKYRIN-B SYNDROME. Identifiers: Orphanet 101016, Orphanet 768, MedGen C1970119, MONDO:0010958, OMIM 600919.
Long QT syndrome (LQTS). Identifiers: MedGen C0023976, MeSH D008133, MONDO:0002442. Disease mechanism: loss of function. Inheritance: Various modes of inheritance.

Allele frequency attached by ClinVar (database versions not stated): ExAC 0.00001; gnomAD exomes 0.00002; TOPMed 0.00005; gnomAD 0.00006 and 0.00007; ESP Exome Variant Server 0.00008.
gnomAD v4.1: 74 of 1,613,948 alleles (0.0046%); highest among the groups gnomAD compares: Middle Eastern, 0.066%; no homozygotes.

Submissions (5):

Labcorp Genetics (formerly Invitae), Labcorp
Classification: Uncertain significance for Long QT syndrome. Last evaluated: 2024-06-01. Review status: criteria provided, single submitter. Criteria: Invitae Variant Classification Sherloc (09022015). Collection method: clinical testing. Allele origin: germline.
Comment: This sequence change replaces valine, which is neutral and non-polar, with isoleucine, which is neutral and non-polar, at codon 3306 of the ANK2 protein (p.Val3306Ile). This variant is present in population databases (rs200922244, gnomAD 0.003%). This variant has not been reported in the literature in individuals affected with ANK2-related conditions. ClinVar contains an entry for this variant (Variation ID: 191415). Algorithms developed to predict the effect of missense changes on protein structure and function output the following: SIFT: "Not Available"; PolyPhen-2: "Benign"; Align-GVGD: "Not Available". The isoleucine amino acid residue is found in multiple mammalian species, which suggests that this missense change does not adversely affect protein function. In summary, the available evidence is currently insufficient to determine the role of this variant in disease. Therefore, it has been classified as a Variant of Uncertain Significance.

Fulgent Genetics
Classification: Uncertain significance for Cardiac arrhythmia, ankyrin-B-related. Last evaluated: 2021-09-03. Review status: criteria provided, single submitter. Criteria: ACMG Guidelines, 2015. Collection method: clinical testing. Allele origin: unknown.

GeneDx
Classification: Uncertain significance. Last evaluated: 2021-06-28. Review status: criteria provided, single submitter. Criteria: GeneDx Variant Classification Process June 2021. Collection method: clinical testing. Allele origin: germline. Affected: yes.
Comment: Has not been previously published as pathogenic or benign to our knowledge; Not observed at a significant frequency in large population cohorts (Lek et al., 2016); In silico analysis supports that this missense variant does not alter protein structure/function; Located in exon 38, which is reported as being expressed in a brain-specific transcript (Otto et al, 1991; Cunha et al, 2008; Wu et al, 2015); Reported in ClinVar as a variant of uncertain significance (ClinVar Variant ID# 191415; Landrum et al., 2016); This variant is associated with the following publications: (PMID: 27535533, 26582918)

Ambry Genetics
Classification: Likely benign for Cardiovascular phenotype. Last evaluated: 2019-10-02. Review status: criteria provided, single submitter. Criteria: Ambry Variant Classification Scheme 2023. Collection method: clinical testing. Allele origin: germline.

Biesecker Lab/Clinical Genomics Section, National Institutes of Health
Classification: Uncertain significance. Last evaluated: 2013-06-24. Review status: criteria provided, single submitter. Criteria: Ng et al. (Circ Cardiovasc Genet. 2013). Collection method: research. Allele origin: unknown. Observed: 1 variant allele. Study: ClinSeq.
Comment: The study set was not selected for affection status in relation to any cancer. Pathogenicity categories were based on literature curation. See Pubmed ID:23861362 for details.

Medical sequencing